The following is an entry in ClinVar:

ClinVar aggregate classification (germline): Pathogenic (1 of 4 stars; one submission).

Conditions:
Alagille syndrome due to a JAG1 point mutation. Also called: HEPATIC DUCTULAR HYPOPLASIA, SYNDROMATIC; JAG1-Related Alagille Syndrome; Alagille Syndrome 1. Identifiers: Orphanet 261619, Orphanet 52, MedGen C1956125, MONDO:0016862, OMIM 118450.

Submission:

Institute of Human Genetics, University of Leipzig Medical Center
Classification: Pathogenic for Alagille syndrome due to a JAG1 point mutation. Last evaluated: 2026-05-11. Review status: criteria provided, single submitter. Criteria: ACMG Guidelines, 2015. Collection method: clinical testing. Allele origin: de novo. Inheritance: Autosomal dominant inheritance. Affected: yes.
Comment: Criteria applied: PVS1,PS2_MOD,PM2

NM_000214.3(JAG1):c.975dup (p.Glu326Ter)

Gene: JAG1 (jagged canonical Notch ligand 1; minus strand). Cytogenetic location: 20p12.2.
Variant type: Duplication.
Coding change: c.975dup on transcript NM_000214.3 (MANE Select); coding-DNA position 975, one base duplicated (T; older notation c.975dupT).
Protein change: p.Glu326Ter; replaces glutamic acid 326 with a stop codon.
Molecular consequence: nonsense.
Genome position (GRCh38, 1-based): chr20:10,652,162, A duplicated on the plus strand (T on the coding strand, the reverse complement: JAG1 is on the minus strand). VCF-style (leftmost placement, unchanged base first): chr20-10652161-C-CA. GRCh37 (hg19) VCF-style: chr20-10632809-C-CA.
Other names: short protein forms E326*.
Identifiers: ClinVar variation 4857449 (VCV004857449.1).
Genomic context (GRCh38, chr20:10,652,161, plus strand): 5'-AAGGGCTCTCATTCATCTTGGACCACTTACCAATTTCACAGTTGGGTCCTGAATACCCCT[C>CA]AGGGCAGGAACACTGATATTTGTCAGGGCCTGTGTTGCTACAAGTTCCCCCGTTGAGACA-3'